The following is an entry in ClinVar:

ClinVar aggregate classification (germline): Uncertain significance (1 of 4 stars; one submission).

gnomAD v4.1: 1 of 1,172,937 alleles (0.000085%); highest among the groups gnomAD compares: Admixed American, 0.0023%; no homozygotes.

Submission:

Ambry Genetics
Classification: Uncertain significance. Last evaluated: 2025-12-24. Review status: criteria provided, single submitter. Criteria: Ambry Variant Classification Scheme 2023. Collection method: clinical testing. Allele origin: germline.
Comment: The c.302G>A (p.R101H) alteration is located in exon 2 (coding exon 1) of the USP51 gene. This alteration results from a G to A substitution at nucleotide position 302, causing the arginine (R) at amino acid position 101 to be replaced by a histidine (H). Based on data from gnomAD, the A allele has an overall frequency of 0.001% (1/120551) total alleles studied. The highest observed frequency was 0.004% (1/23265) of Latino alleles. Based on insufficient or conflicting evidence, the clinical significance of this alteration remains unclear.

NM_201286.4(USP51):c.302G>A (p.Arg101His)

Gene: USP51 (ubiquitin specific peptidase 51; minus strand). Cytogenetic location: Xp11.21.
Variant type: single nucleotide variant.
Coding change: c.302G>A on transcript NM_201286.4 (MANE Select); coding-DNA position 302, G replaced by A.
Protein change: p.Arg101His; replaces arginine 101 with histidine.
Molecular consequence: missense variant.
Genome position (GRCh38, 1-based): chrX:55,488,638, C>T on the plus strand (G>A on the coding strand, the complement: USP51 is on the minus strand). VCF-style: chrX-55488638-C-T. GRCh37 (hg19) VCF-style: chrX-55515071-C-T.
Other names: short protein forms R101H.
Identifiers: ClinVar variation 4838541 (VCV004838541.1).